The following is an entry in ClinVar:

NM_001378615.1(CC2D2A):c.1005del (p.Met336fs)

Genes: CC2D2A (coiled-coil and C2 domain containing 2A; plus strand), FBXL5 (F-box and leucine rich repeat protein 5; minus strand). Cytogenetic location: 4p15.32.
Variant type: Deletion.
Coding change: c.1005del on transcript NM_001378615.1 (MANE Select); coding-DNA position 1005, one base deleted (G; older notation c.1005delG).
Protein change: p.Met336fs; shifts the reading frame from methionine 336.
Molecular consequence: frameshift variant.
Genome position (GRCh38, 1-based): chr4:15,515,992, G deleted. VCF-style (leftmost placement, unchanged base first): chr4-15515991-TG-T. GRCh37 (hg19) VCF-style: chr4-15517614-TG-T.
Other names: c.1005del, p.Met336fs (NM_001080522.2); c.858del, p.Met287fs (NM_001378617.1); short protein forms M287fs, M336fs.
Identifiers: ClinVar variation 3389750 (VCV003389750.14).

ClinVar aggregate classification (germline): Pathogenic (1 of 4 stars; one submission).

Submission:

CeGaT Center for Human Genetics Tuebingen
Classification: Pathogenic. Last evaluated: 2024-10-01. Review status: criteria provided, single submitter. Criteria: CeGaT Center For Human Genetics Tuebingen Variant Classification Criteria Version 2. Collection method: clinical testing. Allele origin: germline. Affected: yes. Observed: 2 variant alleles.
Comment: CC2D2A: PVS1, PM2